The following is an entry in ClinVar:

NM_000245.4(MET):c.856T>G (p.Ser286Ala)

Gene: MET (MET proto-oncogene, receptor tyrosine kinase; plus strand). Cytogenetic location: 7q31.2.
Variant type: single nucleotide variant.
Coding change: c.856T>G on transcript NM_000245.4 (MANE Select); coding-DNA position 856, T replaced by G.
Protein change: p.Ser286Ala; replaces serine 286 with alanine.
Molecular consequence: missense variant. On other transcripts: intron variant (1).
Genome position (GRCh38, 1-based): chr7:116,699,940, T>G. VCF-style: chr7-116699940-T-G. GRCh37 (hg19) VCF-style: chr7-116339994-T-G.
Other names: c.856T>G, p.Ser286Ala (NM_001127500.3, NM_001324401.3); c.-91+27363T>G (NM_001324402.2); short protein forms S286A.
Identifiers: ClinVar variation 2765968 (VCV002765968.5), dbSNP rs2116599655, ClinGen allele CA368970002.

ClinVar aggregate classification (germline): Conflicting classifications of pathogenicity. Review status: criteria provided, conflicting classifications (1 of 4 stars). 2 submissions from 2 submitters: Uncertain significance (1); Likely benign (1). Last evaluated 2026-06-12.

Conditions:
Renal cell carcinoma. Identifiers: Orphanet 217071, MedGen C0007134, MeSH D002292, MONDO:0005086, HP:0005584.
Hereditary cancer-predisposing syndrome. Also called: Tumor predisposition; Hereditary neoplastic syndrome; Neoplastic Syndromes, Hereditary; Hereditary Cancer Syndrome. Identifiers: Orphanet 140162, MedGen C0027672, MeSH D009386, MONDO:0015356.

Submissions (2):

Ambry Genetics
Classification: Likely benign for Hereditary cancer-predisposing syndrome. Last evaluated: 2026-06-12. Review status: criteria provided, single submitter. Criteria: Ambry Variant Classification Scheme 2023. Collection method: clinical testing. Allele origin: germline.

Labcorp Genetics (formerly Invitae), Labcorp
Classification: Uncertain significance for Renal cell carcinoma. Last evaluated: 2023-12-10. Review status: criteria provided, single submitter. Criteria: Invitae Variant Classification Sherloc (09022015). Collection method: clinical testing. Allele origin: germline.
Comment: This sequence change replaces serine, which is neutral and polar, with alanine, which is neutral and non-polar, at codon 286 of the MET protein (p.Ser286Ala). This variant is not present in population databases (gnomAD no frequency). This variant has not been reported in the literature in individuals affected with MET-related conditions. Advanced modeling of protein sequence and biophysical properties (such as structural, functional, and spatial information, amino acid conservation, physicochemical variation, residue mobility, and thermodynamic stability) performed at Invitae indicates that this missense variant is not expected to disrupt MET protein function with a negative predictive value of 80%. In summary, the available evidence is currently insufficient to determine the role of this variant in disease. Therefore, it has been classified as a Variant of Uncertain Significance.